The following is an entry in ClinVar:

ClinVar aggregate classification (germline): Uncertain significance (1 of 4 stars; one submission).

Conditions:
Autoimmune lymphoproliferative syndrome type 2A (ALPS2A). Also called: CASP10-Related Autoimmune Lymphoproliferative Syndrome; Autoimmune lymphoproliferative syndrome type 2; AUTOIMMUNE LYMPHOPROLIFERATIVE SYNDROME, TYPE IIA. Identifiers: Orphanet 3261, MedGen C1858968, MONDO:0011383, OMIM 603909.

Submission:

Labcorp Genetics (formerly Invitae), Labcorp
Classification: Uncertain significance for Autoimmune lymphoproliferative syndrome type 2A. Last evaluated: 2024-08-08. Review status: criteria provided, single submitter. Criteria: Invitae Variant Classification Sherloc (09022015). Collection method: clinical testing. Allele origin: germline.
Comment: This sequence change replaces serine, which is neutral and polar, with cysteine, which is neutral and slightly polar, at codon 409 of the CASP10 protein (p.Ser409Cys). This variant is not present in population databases (gnomAD no frequency). This variant has not been reported in the literature in individuals affected with CASP10-related conditions. Advanced modeling of protein sequence and biophysical properties (such as structural, functional, and spatial information, amino acid conservation, physicochemical variation, residue mobility, and thermodynamic stability) performed at Invitae indicates that this missense variant is not expected to disrupt CASP10 protein function with a negative predictive value of 80%. In summary, the available evidence is currently insufficient to determine the role of this variant in disease. Therefore, it has been classified as a Variant of Uncertain Significance.

NM_032977.4(CASP10):c.1226C>G (p.Ser409Cys)

Gene: CASP10 (caspase 10; plus strand). Cytogenetic location: 2q33.1.
Variant type: single nucleotide variant.
Coding change: c.1226C>G on transcript NM_032977.4 (MANE Select); coding-DNA position 1226, C replaced by G.
Protein change: p.Ser409Cys; replaces serine 409 with cysteine.
Molecular consequence: missense variant. On other transcripts: 3 prime UTR variant (1).
Genome position (GRCh38, 1-based): chr2:201,209,373, C>G. VCF-style: chr2-201209373-C-G. GRCh37 (hg19) VCF-style: chr2-202074096-C-G.
Other names: c.1025C>G, p.Ser342Cys (NM_001206524.2); c.1097C>G, p.Ser366Cys (NM_001206542.2, NM_001230.5); c.1226C>G, p.Ser409Cys (NM_032974.5); c.*312C>G (NM_032976.4); short protein forms S342C, S366C, S409C.
Identifiers: ClinVar variation 3748497 (VCV003748497.2).
Genomic context (GRCh38, chr2:201,209,373, plus strand): 5'-TGGCTGAAAAACCTAAACTCTTTTTCATCCAGGCCTGCCAAGGTGAAGAGATACAGCCTT[C>G]CGTATCCATCGAAGCAGATGCTCTGAACCCTGAGCAGGCACCCACTTCCCTGCAGGACAG-3'
Protein context (NP_116759.2, residues 399-419): QACQGEEIQP[Ser409Cys]VSIEADALNP